The following is an entry in ClinVar:

ClinVar aggregate classification (germline): Uncertain significance (1 of 4 stars; one submission).

gnomAD v4.1: 2 of 1,568,624 alleles (0.00013%); highest among the groups gnomAD compares: Admixed American, 0.0019%; no homozygotes.

Submission:

Labcorp Genetics (formerly Invitae), Labcorp
Classification: Uncertain significance. Last evaluated: 2024-07-30. Review status: criteria provided, single submitter. Criteria: Invitae Variant Classification Sherloc (09022015). Collection method: clinical testing. Allele origin: germline.
Comment: This sequence change affects codon 839 of the RASA2 mRNA. It is a 'silent' change, meaning that it does not change the encoded amino acid sequence of the RASA2 protein. This variant is not present in population databases (gnomAD no frequency). This variant has not been reported in the literature in individuals affected with RASA2-related conditions. Algorithms developed to predict the effect of sequence changes on RNA splicing suggest that this variant may disrupt the consensus splice site. In summary, the available evidence is currently insufficient to determine the role of this variant in disease. Therefore, it has been classified as a Variant of Uncertain Significance.

NM_006506.5(RASA2):c.2517C>T (p.Ser839=)

Gene: RASA2 (RAS p21 protein activator 2; plus strand). Cytogenetic location: 3q23.
Variant type: single nucleotide variant.
Coding change: c.2517C>T on transcript NM_006506.5 (MANE Select); coding-DNA position 2517, C replaced by T.
Protein change: p.Ser839=; no amino-acid change (serine 839 retained).
Molecular consequence: synonymous variant.
Genome position (GRCh38, 1-based): chr3:141,610,064, C>T. VCF-style: chr3-141610064-C-T. GRCh37 (hg19) VCF-style: chr3-141328906-C-T.
Other names: c.2520C>T, p.Ser840= (NM_001303245.3); c.2529C>T, p.Ser843= (NM_001303246.3).
Identifiers: ClinVar variation 3615968 (VCV003615968.2).